The following is an entry in ClinVar:

ClinVar aggregate classification (germline): Uncertain significance (1 of 4 stars; one submission).

Conditions:
Acrocallosal syndrome (ACLS). Also called: HALLUX DUPLICATION, POSTAXIAL POLYDACTYLY, AND ABSENCE OF CORPUS CALLOSUM; Schinzel syndrome 1; Absence of corpus callosum with unusual facial appearance, mental deficiency, duplication of the halluces and polydactyly. Identifiers: Orphanet 36, MedGen C0796147, MONDO:0008708, OMIM 200990.

Submission:

Labcorp Genetics (formerly Invitae), Labcorp
Classification: Uncertain significance for Acrocallosal syndrome. Last evaluated: 2022-08-10. Review status: criteria provided, single submitter. Criteria: Invitae Variant Classification Sherloc (09022015). Collection method: clinical testing. Allele origin: germline.
Comment: In summary, the available evidence is currently insufficient to determine the role of this variant in disease. Therefore, it has been classified as a Variant of Uncertain Significance. Algorithms developed to predict the effect of sequence changes on RNA splicing suggest that this variant may disrupt the consensus splice site. This variant has not been reported in the literature in individuals affected with KIF7-related conditions. This variant is not present in population databases (gnomAD no frequency). This variant, c.1346_1411del, results in the deletion of 22 amino acid(s) of the KIF7 protein (p.Gly449_Glu470del), but otherwise preserves the integrity of the reading frame.

NM_198525.3(KIF7):c.1346_1411del (p.Gly449_Glu470del)

Gene: KIF7 (kinesin family member 7; minus strand). Cytogenetic location: 15q26.1.
Variant type: Deletion.
Coding change: c.1346_1411del on transcript NM_198525.3 (MANE Select); coding-DNA positions 1346 to 1411, 66 bases deleted.
Protein change: p.Gly449_Glu470del.
Molecular consequence: inframe deletion.
Genome position (GRCh38, 1-based): chr15:89,648,287-89,648,352, 66 bases deleted. GRCh37 (hg19): chr15:90,191,527-90,191,592.
Identifiers: ClinVar variation 2021388 (VCV002021388.4), dbSNP rs2505493061, ClinGen allele CA2580090394.